The following is an entry in ClinVar:

NM_000090.4(COL3A1):c.2828del (p.Ala943fs)

Gene: COL3A1 (collagen type III alpha 1 chain; plus strand). Cytogenetic location: 2q32.2.
Variant type: Deletion.
Coding change: c.2828del on transcript NM_000090.4 (MANE Select); coding-DNA position 2828, one base deleted (C; older notation c.2828delC).
Protein change: p.Ala943fs; shifts the reading frame from alanine 943.
Molecular consequence: frameshift variant.
Genome position (GRCh38, 1-based): chr2:189,004,261, C deleted. VCF-style (leftmost placement, unchanged base first): chr2-189004260-GC-G. GRCh37 (hg19) VCF-style: chr2-189868986-GC-G.
Other names: c.2828delC (NM_000090.3); short protein forms A943fs.
Identifiers: ClinVar variation 529321 (VCV000529321.8), dbSNP rs1553509208, ClinGen allele CA658796123.

ClinVar aggregate classification (germline): Pathogenic (1 of 4 stars; one submission).

Conditions:
Ehlers-Danlos syndrome, type 4 (EDSVASC). Also called: Ehlers-Danlos syndrome vascular type; Ehlers Danlos syndrome, ecchymotic type; Ehlers Danlos syndrome, arterial type; Ehlers Danlos syndrome, Sack-Barabas type; Ehlers-Danlos Syndrome Type IV. Identifiers: Orphanet 286, MedGen C0268338, MONDO:0017314, OMIM 130050.

Submission:

Labcorp Genetics (formerly Invitae), Labcorp
Classification: Pathogenic for Ehlers-Danlos syndrome, type 4. Last evaluated: 2022-11-09. Review status: criteria provided, single submitter. Criteria: Invitae Variant Classification Sherloc (09022015). Collection method: clinical testing. Allele origin: germline.
Comment: This sequence change creates a premature translational stop signal (p.Ala943Valfs*293) in the COL3A1 gene. It is expected to result in an absent or disrupted protein product. Loss-of-function variants in COL3A1 are known to be pathogenic (PMID: 24922459). This variant is not present in population databases (gnomAD no frequency). This variant has not been reported in the literature in individuals affected with COL3A1-related conditions. ClinVar contains an entry for this variant (Variation ID: 529321). For these reasons, this variant has been classified as Pathogenic.

Literature cited by the submitters: PubMed 24922459.